The following is an entry in ClinVar:

ClinVar aggregate classification (germline): Likely benign. Review status: criteria provided, multiple submitters, no conflicts (2 of 4 stars). 4 submissions from 4 submitters: Likely benign (3). 1 of the submissions does not count toward it. Last evaluated 2024-11-20.

Conditions:
PLXND1-related disorder. Also called: PLXND1-related condition.

Allele frequency attached by ClinVar (database versions not stated): gnomAD exomes 0.00032 and 0.00056; ExAC 0.00057; ESP Exome Variant Server 0.00071; gnomAD 0.00077 and 0.00079; TOPMed 0.00117; 1000 Genomes Project 0.00200; 1000 Genomes Project 30x 0.00234.
gnomAD v4.1: 668 of 1,605,064 alleles (0.042%); highest among the groups gnomAD compares: Middle Eastern, 0.25%; 4 homozygotes.

Submissions (4):

Blueprint Genetics
Classification: Likely benign. Last evaluated: 2024-11-20. Review status: criteria provided, single submitter. Criteria: ACMG Guidelines, 2015. Collection method: clinical testing. Allele origin: germline.

Labcorp Genetics (formerly Invitae), Labcorp
Classification: Likely benign. Last evaluated: 2019-12-31. Review status: criteria provided, single submitter. Criteria: Invitae Variant Classification Sherloc (09022015). Collection method: clinical testing. Allele origin: germline.

Breakthrough Genomics
Classification: Likely benign. Review status: criteria provided, single submitter. Criteria: ACMG Guidelines, 2015. Collection method: not provided. Allele origin: germline. Inheritance: Unknown mechanism. Affected: yes.

PreventionGenetics, part of Exact Sciences
Classification: Likely benign for PLXND1-related condition. Last evaluated: 2019-06-19. Review status: no assertion criteria provided. Collection method: clinical testing. Allele origin: germline. Not counted in ClinVar's aggregate classification.
Comment: This variant is classified as likely benign based on ACMG/AMP sequence variant interpretation guidelines (Richards et al. 2015 PMID: 25741868, with internal and published modifications).

NM_015103.3(PLXND1):c.1698C>T (p.Cys566=)

Gene: PLXND1 (plexin D1; minus strand). Cytogenetic location: 3q22.1.
Variant type: single nucleotide variant.
Coding change: c.1698C>T on transcript NM_015103.3 (MANE Select); coding-DNA position 1698, C replaced by T.
Protein change: p.Cys566=; no amino-acid change (cysteine 566 retained).
Molecular consequence: synonymous variant.
Genome position (GRCh38, 1-based): chr3:129,586,195, G>A on the plus strand (C>T on the coding strand, the complement: PLXND1 is on the minus strand). VCF-style: chr3-129586195-G-A. GRCh37 (hg19) VCF-style: chr3-129305038-G-A.
Identifiers: ClinVar variation 717202 (VCV000717202.8), dbSNP rs140865873, ClinGen allele CA2609284.